The following is an entry in ClinVar:

ClinVar aggregate classification (germline): Uncertain significance (1 of 4 stars; one submission).

Submission:

GeneDx
Classification: Uncertain significance. Last evaluated: 2026-02-05. Review status: criteria provided, single submitter. Criteria: GeneDx Variant Classification Process June 2021. Collection method: clinical testing. Allele origin: germline.
Comment: Has not been previously published as pathogenic or benign to our knowledge; No data available from control populations to assess the frequency of this variant; In silico analysis suggests this variant may impact gene splicing. In the absence of RNA/functional studies, the actual effect of this sequence change is unknown..

NM_015335.5(MED13L):c.6388-1240G>T

Gene: MED13L (mediator complex subunit 13L; minus strand). Cytogenetic location: 12q24.21.
Variant type: single nucleotide variant.
Coding change: c.6388-1240G>T on transcript NM_015335.5 (MANE Select); 1240 bases into the intron before coding-DNA position 6388, G replaced by T.
Molecular consequence: intron variant.
Genome position (GRCh38, 1-based): chr12:115,964,759, C>A on the plus strand (G>T on the coding strand, the complement: MED13L is on the minus strand). VCF-style: chr12-115964759-C-A. GRCh37 (hg19) VCF-style: chr12-116402564-C-A.
Identifiers: ClinVar variation 4976303 (VCV004976303.1).